The following is an entry in ClinVar:

ClinVar aggregate classification (germline): Uncertain significance. Review status: criteria provided, multiple submitters, no conflicts (2 of 4 stars). 2 submissions from 2 submitters: Uncertain significance (2). Last evaluated 2024-05-18.

Conditions:
Polydactyly, postaxial, type A1. Identifiers: MedGen C4282400, MONDO:0008266, OMIM 174200.
Polysyndactyly 4. Also called: Polysyndactyly uncomplicated; Preaxial polydactyly 4. Identifiers: Orphanet 93338, MedGen C1868111, MONDO:0008272, OMIM 174700.
Pallister-Hall syndrome (PHS). Also called: HYPOTHALAMIC HAMARTOBLASTOMA, HYPOPITUITARISM, IMPERFORATE ANUS, AND POSTAXIAL POLYDACTYLY; GLI3-Related Pallister-Hall Syndrome. Identifiers: Orphanet 672, MedGen C0265220, MONDO:0007804, OMIM 146510.
Greig cephalopolysyndactyly syndrome (GCPS). Also called: Greig syndrome; GLI3-Related Greig Cephalopolysyndactyly Syndrome; POLYSYNDACTYLY WITH PECULIAR SKULL SHAPE. Identifiers: Orphanet 380, MedGen C0265306, MONDO:0008287, OMIM 175700.

Allele frequency attached by ClinVar (database versions not stated): TOPMed below 0.00001.

Submissions (2):

Fulgent Genetics
Classification: Uncertain significance for Pallister-Hall syndrome; Polydactyly, postaxial, type A1; Polysyndactyly 4; Greig cephalopolysyndactyly syndrome. Last evaluated: 2024-05-18. Review status: criteria provided, single submitter. Criteria: ACMG Guidelines, 2015. Collection method: clinical testing. Allele origin: germline.

Labcorp Genetics (formerly Invitae), Labcorp
Classification: Uncertain significance for Pallister-Hall syndrome; Greig cephalopolysyndactyly syndrome. Last evaluated: 2022-10-24. Review status: criteria provided, single submitter. Criteria: Invitae Variant Classification Sherloc (09022015). Collection method: clinical testing. Allele origin: germline.
Comment: This sequence change falls in intron 3 of the GLI3 gene. It does not directly change the encoded amino acid sequence of the GLI3 protein. It affects a nucleotide within the consensus splice site. This variant is not present in population databases (gnomAD no frequency). This variant has not been reported in the literature in individuals affected with GLI3-related conditions. Variants that disrupt the consensus splice site are a relatively common cause of aberrant splicing (PMID: 17576681, 9536098). Algorithms developed to predict the effect of sequence changes on RNA splicing suggest that this variant is not likely to affect RNA splicing. In summary, the available evidence is currently insufficient to determine the role of this variant in disease. Therefore, it has been classified as a Variant of Uncertain Significance.

Literature cited by the submitters: PubMed 17576681 (cited by Labcorp Genetics (formerly Invitae), Labcorp); PubMed 9536098 (cited by Labcorp Genetics (formerly Invitae), Labcorp).

NM_000168.6(GLI3):c.368-3C>T

Gene: GLI3 (GLI family zinc finger 3; minus strand). Cytogenetic location: 7p14.1.
Variant type: single nucleotide variant.
Coding change: c.368-3C>T on transcript NM_000168.6 (MANE Select); 3 bases into the intron before coding-DNA position 368, C replaced by T.
Molecular consequence: intron variant.
Genome position (GRCh38, 1-based): chr7:42,076,860, G>A on the plus strand (C>T on the coding strand, the complement: GLI3 is on the minus strand). VCF-style: chr7-42076860-G-A. GRCh37 (hg19) VCF-style: chr7-42116459-G-A.
Identifiers: ClinVar variation 2156224 (VCV002156224.5), dbSNP rs1784888058, ClinGen allele CA1702704599.